The following is an entry in ClinVar:

ClinVar aggregate classification (germline): Uncertain significance (1 of 4 stars; one submission).

Conditions:
Schimke immuno-osseous dysplasia (SIOD). Also called: Schimke Immunoosseous Dysplasia. Identifiers: Orphanet 1830, MedGen C0877024, MONDO:0009458, OMIM 242900.

Submission:

Labcorp Genetics (formerly Invitae), Labcorp
Classification: Uncertain significance for Schimke immuno-osseous dysplasia. Last evaluated: 2022-09-01. Review status: criteria provided, single submitter. Criteria: Invitae Variant Classification Sherloc (09022015). Collection method: clinical testing. Allele origin: germline.
Comment: In summary, the available evidence is currently insufficient to determine the role of this variant in disease. Therefore, it has been classified as a Variant of Uncertain Significance. Variants that disrupt the consensus splice site are a relatively common cause of aberrant splicing (PMID: 17576681, 9536098). Algorithms developed to predict the effect of sequence changes on RNA splicing suggest that this variant may disrupt the consensus splice site. ClinVar contains an entry for this variant (Variation ID: 1380291). This variant has not been reported in the literature in individuals affected with SMARCAL1-related conditions. This variant is not present in population databases (gnomAD no frequency). This sequence change affects a donor splice site in intron 17 of the SMARCAL1 gene. While this variant is not anticipated to result in nonsense mediated decay, it likely alters RNA splicing and results in a disrupted protein product.

Literature cited by the submitters: PubMed 17576681; PubMed 9536098.

NM_014140.4(SMARCAL1):c.2625+1G>T

Gene: SMARCAL1 (SNF2 related chromatin remodeling annealing helicase 1; plus strand). Cytogenetic location: 2q35.
Variant type: single nucleotide variant.
Coding change: c.2625+1G>T on transcript NM_014140.4 (MANE Select); the canonical splice donor site of the intron after coding-DNA position 2625, G replaced by T.
Molecular consequence: splice donor variant.
Genome position (GRCh38, 1-based): chr2:216,478,300, G>T. VCF-style: chr2-216478300-G-T. GRCh37 (hg19) VCF-style: chr2-217343023-G-T.
Other names: c.2625+1G>T (NM_001127207.2).
Identifiers: ClinVar variation 1380291 (VCV001380291.6), dbSNP rs2106089962, ClinGen allele CA350505106.